The following is an entry in ClinVar:

NM_020884.7(MYH7B):c.1065C>G (p.Ile355Met)

Gene: MYH7B (myosin heavy chain 7B; plus strand). Cytogenetic location: 20q11.22.
Variant type: single nucleotide variant.
Coding change: c.1065C>G on transcript NM_020884.7 (MANE Select); coding-DNA position 1065, C replaced by G.
Protein change: p.Ile355Met; replaces isoleucine 355 with methionine.
Molecular consequence: missense variant.
Genome position (GRCh38, 1-based): chr20:34,987,205, C>G. VCF-style: chr20-34987205-C-G. GRCh37 (hg19) VCF-style: chr20-33575008-C-G.
Other names: short protein forms I355M.
Identifiers: ClinVar variation 1356243 (VCV001356243.6), dbSNP rs186184825, ClinGen allele CA408700314.

ClinVar aggregate classification (germline): Uncertain significance (1 of 4 stars; one submission).

Submission:

Labcorp Genetics (formerly Invitae), Labcorp
Classification: Uncertain significance. Last evaluated: 2022-12-06. Review status: criteria provided, single submitter. Criteria: Invitae Variant Classification Sherloc (09022015). Collection method: clinical testing. Allele origin: germline.
Comment: In summary, the available evidence is currently insufficient to determine the role of this variant in disease. Therefore, it has been classified as a Variant of Uncertain Significance. Advanced modeling of protein sequence and biophysical properties (such as structural, functional, and spatial information, amino acid conservation, physicochemical variation, residue mobility, and thermodynamic stability) performed at Invitae indicates that this missense variant is not expected to disrupt MYH7B protein function. ClinVar contains an entry for this variant (Variation ID: 1356243). This variant has not been reported in the literature in individuals affected with MYH7B-related conditions. This variant is not present in population databases (gnomAD no frequency). This sequence change replaces isoleucine, which is neutral and non-polar, with methionine, which is neutral and non-polar, at codon 397 of the MYH7B protein (p.Ile397Met).